The following is an entry in ClinVar:

ClinVar aggregate classification (germline): Uncertain significance (1 of 4 stars; one submission).

gnomAD v4.1: 6 of 1,614,114 alleles (0.00037%); highest among the groups gnomAD compares: Admixed American, 0.01%; no homozygotes.

Submission:

Labcorp Genetics (formerly Invitae), Labcorp
Classification: Uncertain significance. Last evaluated: 2024-06-17. Review status: criteria provided, single submitter. Criteria: Invitae Variant Classification Sherloc (09022015). Collection method: clinical testing. Allele origin: germline.
Comment: This sequence change replaces glycine, which is neutral and non-polar, with glutamic acid, which is acidic and polar, at codon 2995 of the DMXL2 protein (p.Gly2995Glu). This variant is present in population databases (no rsID available, gnomAD 0.006%). This variant has not been reported in the literature in individuals affected with DMXL2-related conditions. An algorithm developed to predict the effect of missense changes on protein structure and function (PolyPhen-2) suggests that this variant is likely to be disruptive. In summary, the available evidence is currently insufficient to determine the role of this variant in disease. Therefore, it has been classified as a Variant of Uncertain Significance.

NM_001378457.1(DMXL2):c.9047G>A (p.Gly3016Glu)

Gene: DMXL2 (Dmx like 2; minus strand). Cytogenetic location: 15q21.2.
Variant type: single nucleotide variant.
Coding change: c.9047G>A on transcript NM_001378457.1 (MANE Select); coding-DNA position 9047, G replaced by A.
Protein change: p.Gly3016Glu; replaces glycine 3016 with glutamic acid.
Molecular consequence: missense variant. On other transcripts: non-coding transcript variant (2).
Genome position (GRCh38, 1-based): chr15:51,449,114, C>T on the plus strand (G>A on the coding strand, the complement: DMXL2 is on the minus strand). VCF-style: chr15-51449114-C-T. GRCh37 (hg19) VCF-style: chr15-51741311-C-T.
Other names: c.8984G>A, p.Gly2995Glu (NM_001174116.3); c.7073G>A, p.Gly2358Glu (NM_001174117.3); c.9044G>A, p.Gly3015Glu (NM_001378458.1); c.8759G>A, p.Gly2920Glu (NM_001378459.1); c.6962G>A, p.Gly2321Glu (NM_001378460.1); c.8981G>A, p.Gly2994Glu (NM_015263.5); short protein forms G2358E, G3015E, G2321E, G3016E, G2920E, G2994E, G2995E.
Identifiers: ClinVar variation 3710598 (VCV003710598.2).